The following is an entry in ClinVar:

NM_144672.4(OTOA):c.2035del (p.Glu679fs)

Gene: OTOA (otoancorin). Cytogenetic location: 16p12.2.
Variant type: Deletion.
Coding change: c.2035del on transcript NM_144672.4 (MANE Select); coding-DNA position 2035, one base deleted.
Protein change: p.Glu679fs; shifts the reading frame from glutamic acid 679.
Molecular consequence: frameshift variant.
Genome position: GRCh38 VCF-style: chr16-21728258-TG-T. GRCh37 (hg19) VCF-style: chr16-21739579-TG-T.
Other names: c.1798del, p.Glu600fs (NM_001161683.2); c.1063del, p.Glu355fs (NM_170664.3); c.2035delG (NM_144672.3); short protein forms E679fs, E600fs, E355fs.
Identifiers: ClinVar variation 2877856 (VCV002877856.4), dbSNP rs777834673, ClinGen allele CA7952874.

ClinVar aggregate classification (germline): Pathogenic. Review status: criteria provided, multiple submitters, no conflicts (2 of 4 stars). 2 submissions from 2 submitters: Pathogenic (2). Last evaluated 2026-07-23.

Conditions:
OTOA-related disorder. Also called: OTOA-related condition.

Allele frequency attached by ClinVar (database versions not stated): ExAC 0.00001; gnomAD exomes 0.00001.

Submissions (2):

PreventionGenetics, part of Exact Sciences
Classification: Pathogenic for OTOA-related condition. Last evaluated: 2026-07-23. Review status: criteria provided, single submitter. Criteria: ACMG Guidelines, 2015. Collection method: clinical testing. Allele origin: germline.
Comment: The OTOA c.2035delG variant is predicted to result in a frameshift and premature protein termination (p.Glu679Serfs*49). To our knowledge, this variant has not been previously reported in the literature. This variant is reported in 0.0018% of alleles in individuals of European (Non-Finnish) descent in gnomAD. Frameshift variants in OTOA are expected to be pathogenic. This variant is interpreted as pathogenic.

Labcorp Genetics (formerly Invitae), Labcorp
Classification: Pathogenic. Last evaluated: 2025-07-10. Review status: criteria provided, single submitter. Criteria: Invitae Variant Classification Sherloc (09022015). Collection method: clinical testing. Allele origin: germline.
Comment: This sequence change creates a premature translational stop signal (p.Glu679Serfs*49) in the OTOA gene. It is expected to result in an absent or disrupted protein product. Loss-of-function variants in OTOA are known to be pathogenic (PMID: 11972037). This variant is present in population databases (rs777834673, gnomAD 0.002%). This variant has not been reported in the literature in individuals affected with OTOA-related conditions. ClinVar contains an entry for this variant (Variation ID: 2877856). Algorithms developed to predict the effect of sequence changes on RNA splicing suggest that this variant may disrupt the consensus splice site. For these reasons, this variant has been classified as Pathogenic.

Literature cited by the submitters: PubMed 11972037 (cited by Labcorp Genetics (formerly Invitae), Labcorp).